The following is an entry in ClinVar:

ClinVar aggregate classification (germline): Likely benign. Review status: criteria provided, multiple submitters, no conflicts (2 of 4 stars). 2 submissions from 2 submitters: Likely benign (2). Last evaluated 2018-06-19.

Allele frequency attached by ClinVar (database versions not stated): gnomAD exomes 0.00081; gnomAD 0.00870 and 0.00931; TOPMed 0.00956; 1000 Genomes Project 0.01138; 1000 Genomes Project 30x 0.01156.

Submissions (2):

GeneDx
Classification: Likely benign. Last evaluated: 2018-06-19. Review status: criteria provided, single submitter. Criteria: GeneDx Variant Classification (06012015). Collection method: clinical testing. Allele origin: germline. Affected: yes.
Comment: This variant is considered likely benign or benign based on one or more of the following criteria: it is a conservative change, it occurs at a poorly conserved position in the protein, it is predicted to be benign by multiple in silico algorithms, and/or has population frequency not consistent with disease.

Breakthrough Genomics
Classification: Likely benign. Review status: criteria provided, single submitter. Criteria: ACMG Guidelines, 2015. Collection method: not provided. Allele origin: germline. Inheritance: Autosomal recessive inheritance. Affected: yes.

NM_001005361.3(DNM2):c.385+60A>G

Gene: DNM2 (dynamin 2; plus strand). Cytogenetic location: 19p13.2.
Variant type: single nucleotide variant.
Coding change: c.385+60A>G on transcript NM_001005361.3 (MANE Select); 60 bases into the intron after coding-DNA position 385, A replaced by G.
Molecular consequence: intron variant.
Genome position (GRCh38, 1-based): chr19:10,772,688, A>G. VCF-style: chr19-10772688-A-G. GRCh37 (hg19) VCF-style: chr19-10883364-A-G.
Other names: c.385+60A>G (NM_001005360.3, NM_001190716.2, NM_004945.4 and 1 more transcripts).
Identifiers: ClinVar variation 679320 (VCV000679320.2), dbSNP rs116398690, ClinGen allele CA305268352.